The following is an entry in ClinVar:

ClinVar aggregate classification (germline): Conflicting classifications of pathogenicity. Review status: criteria provided, conflicting classifications (1 of 4 stars). 4 submissions from 4 submitters: Uncertain significance (2); Likely benign (1). 1 of the submissions does not count toward it. Last evaluated 2025-07-02.

Conditions:
Autosomal recessive nonsyndromic hearing loss 3. Also called: NEUROSENSORY NONSYNDROMIC RECESSIVE DEAFNESS 3. Identifiers: Orphanet 90636, MedGen C1838263, MONDO:0010860, OMIM 600316.
Inborn genetic diseases. Identifiers: MedGen C0950123, MeSH D030342.

Allele frequency attached by ClinVar (database versions not stated): gnomAD 0.00002 and 0.00006; TOPMed 0.00002; 1000 Genomes Project 30x 0.00031.
gnomAD v4.1: 28 of 1,218,272 alleles (0.0023%); highest among the groups gnomAD compares: East Asian, 0.073%; no homozygotes.

Submissions (4):

Ambry Genetics
Classification: Uncertain significance for Inborn genetic diseases. Last evaluated: 2025-07-02. Review status: criteria provided, single submitter. Criteria: Ambry Variant Classification Scheme 2023. Collection method: clinical testing. Allele origin: germline.

Labcorp Genetics (formerly Invitae), Labcorp
Classification: Likely benign. Last evaluated: 2025-01-23. Review status: criteria provided, single submitter. Criteria: Invitae Variant Classification Sherloc (09022015). Collection method: clinical testing. Allele origin: germline.

GeneDx
Classification: Uncertain significance. Last evaluated: 2021-10-19. Review status: criteria provided, single submitter. Criteria: GeneDx Variant Classification Process June 2021. Collection method: clinical testing. Allele origin: germline. Affected: yes.
Comment: In silico analysis supports that this missense variant does not alter protein structure/function; Has not been previously published as pathogenic or benign to our knowledge

WangQJ Lab, Chinese People's Liberation Army General Hospital
Classification: Uncertain significance for Autosomal recessive nonsyndromic hearing loss 3. Last evaluated: 2021-07-01. Review status: no assertion criteria provided. Collection method: clinical testing. Allele origin: paternal. Affected: yes. Not counted in ClinVar's aggregate classification.

NM_016239.4(MYO15A):c.2017G>A (p.Gly673Arg)

Gene: MYO15A (myosin XVA; plus strand). Cytogenetic location: 17p11.2.
Variant type: single nucleotide variant.
Coding change: c.2017G>A on transcript NM_016239.4 (MANE Select); coding-DNA position 2017, G replaced by A.
Protein change: p.Gly673Arg; replaces glycine 673 with arginine.
Molecular consequence: missense variant.
Genome position (GRCh38, 1-based): chr17:18,120,817, G>A. VCF-style: chr17-18120817-G-A. GRCh37 (hg19) VCF-style: chr17-18024131-G-A.
Other names: c.2017G>A (NM_016239.3); short protein forms G673R.
Identifiers: ClinVar variation 1185127 (VCV001185127.10), dbSNP rs1462012083, ClinGen allele CA398580748.